The following is an entry in ClinVar:

NM_004628.5(XPC):c.2697A>C (p.Ile899=)

Gene: XPC (XPC complex subunit, DNA damage recognition and repair factor; minus strand). Cytogenetic location: 3p25.1.
Variant type: single nucleotide variant.
Coding change: c.2697A>C on transcript NM_004628.5 (MANE Select); coding-DNA position 2697, A replaced by C.
Protein change: p.Ile899=; no amino-acid change (isoleucine 899 retained).
Molecular consequence: synonymous variant. On other transcripts: non-coding transcript variant (2).
Genome position (GRCh38, 1-based): chr3:14,146,067, T>G on the plus strand (A>C on the coding strand, the complement: XPC is on the minus strand). VCF-style: chr3-14146067-T-G. GRCh37 (hg19) VCF-style: chr3-14187567-T-G.
Other names: c.2118A>C, p.Ile706= (NM_001354726.2); c.2691A>C, p.Ile897= (NM_001354727.2); c.2679A>C, p.Ile893= (NM_001354729.2); c.2451A>C, p.Ile817= (NM_001354730.2); c.2697A>C (NM_004628.4).
Identifiers: ClinVar variation 1152276 (VCV001152276.12), dbSNP rs773031424, ClinGen allele CA2267036.

ClinVar aggregate classification (germline): Likely benign. Review status: criteria provided, multiple submitters, no conflicts (2 of 4 stars). 3 submissions from 3 submitters: Likely benign (2). 1 of the submissions does not count toward it. Last evaluated 2024-09-16.

Conditions:
XPC-related disorder. Also called: XPC-related condition.

Allele frequency attached by ClinVar (database versions not stated): gnomAD exomes below 0.00001; ExAC 0.00001; gnomAD 0.00001.
gnomAD v4.1: 12 of 1,612,646 alleles (0.00074%); highest among the groups gnomAD compares: African/African-American, 0.015%; no homozygotes.

Submissions (3):

Blueprint Genetics
Classification: Likely benign. Last evaluated: 2024-09-16. Review status: criteria provided, single submitter. Criteria: ACMG Guidelines, 2015. Collection method: clinical testing. Allele origin: germline.

Labcorp Genetics (formerly Invitae), Labcorp
Classification: Likely benign. Last evaluated: 2024-01-29. Review status: criteria provided, single submitter. Criteria: Invitae Variant Classification Sherloc (09022015). Collection method: clinical testing. Allele origin: germline.

PreventionGenetics, part of Exact Sciences
Classification: Likely benign for XPC-related condition. Last evaluated: 2019-07-04. Review status: no assertion criteria provided. Collection method: clinical testing. Allele origin: germline. Not counted in ClinVar's aggregate classification.
Comment: This variant is classified as likely benign based on ACMG/AMP sequence variant interpretation guidelines (Richards et al. 2015 PMID: 25741868, with internal and published modifications).